The following is an entry in ClinVar:

ClinVar aggregate classification (germline): Uncertain significance (1 of 4 stars; one submission).

Conditions:
Long QT syndrome (LQTS). Identifiers: MedGen C0023976, MeSH D008133, MONDO:0002442. Disease mechanism: loss of function. Inheritance: Various modes of inheritance.

Submission:

Labcorp Genetics (formerly Invitae), Labcorp
Classification: Uncertain significance for Long QT syndrome. Last evaluated: 2024-03-28. Review status: criteria provided, single submitter. Criteria: Invitae Variant Classification Sherloc (09022015). Collection method: clinical testing. Allele origin: germline.
Comment: This sequence change replaces glycine, which is neutral and non-polar, with serine, which is neutral and polar, at codon 233 of the ANK2 protein (p.Gly233Ser). This variant is not present in population databases (gnomAD no frequency). This variant has not been reported in the literature in individuals affected with ANK2-related conditions. Advanced modeling of protein sequence and biophysical properties (such as structural, functional, and spatial information, amino acid conservation, physicochemical variation, residue mobility, and thermodynamic stability) has been performed at Invitae for this missense variant, however the output from this modeling did not meet the statistical confidence thresholds required to predict the impact of this variant on ANK2 protein function. Algorithms developed to predict the effect of sequence changes on RNA splicing suggest that this variant may create or strengthen a splice site. In summary, the available evidence is currently insufficient to determine the role of this variant in disease. Therefore, it has been classified as a Variant of Uncertain Significance.

NM_001148.6(ANK2):c.697G>A (p.Gly233Ser)

Gene: ANK2 (ankyrin 2; plus strand). Cytogenetic location: 4q26.
Variant type: single nucleotide variant.
Coding change: c.697G>A on transcript NM_001148.6 (MANE Select); coding-DNA position 697, G replaced by A.
Protein change: p.Gly233Ser; replaces glycine 233 with serine.
Molecular consequence: missense variant.
Genome position (GRCh38, 1-based): chr4:113,240,488, G>A. VCF-style: chr4-113240488-G-A. GRCh37 (hg19) VCF-style: chr4-114161644-G-A.
Other names: c.634G>A, p.Gly212Ser (NM_001127493.3, NM_001354243.2, NM_001354244.2 and 14 more transcripts); c.697G>A, p.Gly233Ser (NM_001354225.2, NM_001354245.2, NM_001354246.2 and 9 more transcripts); c.742G>A, p.Gly248Ser (NM_001354242.2, NM_001386152.1, NM_001354230.2 and 5 more transcripts); c.610G>A, p.Gly204Ser (NM_001354249.2, NM_001354267.2, NM_001354271.2 and 16 more transcripts); c.685G>A, p.Gly229Ser (NM_001354269.3, NM_001386148.2, NM_001386186.2); c.655G>A, p.Gly219Ser (NM_001386160.1, NM_001354261.2, NM_001386147.1); c.748G>A, p.Gly250Ser (NM_001386174.1); c.724G>A, p.Gly242Ser (NM_001386175.1); and 1 more; short protein forms G204S, G212S, G219S, G221S, G229S, G233S, G242S, G248S.
Identifiers: ClinVar variation 3616877 (VCV003616877.2).